The following is an entry in ClinVar:

NM_000553.6(WRN):c.525del (p.Thr174_Trp175insTer)

Gene: WRN (WRN RecQ like helicase; plus strand). Cytogenetic location: 8p12.
Variant type: Deletion.
Coding change: c.525del on transcript NM_000553.6 (MANE Select); coding-DNA position 525, one base deleted (G; older notation c.525delG).
Protein change: p.Thr174_Trp175insTer.
Molecular consequence: nonsense.
Genome position (GRCh38, 1-based): chr8:31,067,053, G deleted; the last of 2 consecutive G bases (chr8:31,067,052-31,067,053); deleting either gives the same sequence. VCF-style (leftmost placement, unchanged base first): chr8-31067051-TG-T. GRCh37 (hg19) VCF-style: chr8-30924567-TG-T.
Other names: c.525del (NM_000553.4).
Identifiers: ClinVar variation 579824 (VCV000579824.8), dbSNP rs752830087, ClinGen allele CA4704097.

ClinVar aggregate classification (germline): Pathogenic (1 of 4 stars; one submission).

Conditions:
Werner syndrome (WRN). Identifiers: Orphanet 902, MedGen C0043119, MONDO:0010196, OMIM 277700.

Submission:

Labcorp Genetics (formerly Invitae), Labcorp
Classification: Pathogenic for Werner syndrome. Last evaluated: 2025-12-01. Review status: criteria provided, single submitter. Criteria: Invitae Variant Classification Sherloc (09022015). Collection method: clinical testing. Allele origin: germline.
Comment: This sequence change creates a premature translational stop signal (p.Trp175*) in the WRN gene. It is expected to result in an absent or disrupted protein product. Loss-of-function variants in WRN are known to be pathogenic (PMID: 16673358). This variant is present in population databases (rs752830087, gnomAD 0.003%). This premature translational stop signal has been observed in individual(s) with Werner syndrome and prostate cancer (PMID: 27084275). ClinVar contains an entry for this variant (Variation ID: 579824). Studies have shown that this premature translational stop signal is associated with inconclusive levels of altered splicing (internal data). For these reasons, this variant has been classified as Pathogenic.

Literature cited by the submitters: PubMed 16673358; PubMed 27084275.